The following is an entry in ClinVar:

ClinVar aggregate classification (germline): Uncertain significance (1 of 4 stars; one submission).

Conditions:
Hereditary cancer-predisposing syndrome. Also called: Tumor predisposition; Hereditary Cancer Syndrome; Neoplastic Syndromes, Hereditary; Hereditary neoplastic syndrome. Identifiers: Orphanet 140162, MedGen C0027672, MeSH D009386, MONDO:0015356.

Allele frequency attached by ClinVar (database versions not stated): gnomAD exomes below 0.00001; ExAC 0.00001.
gnomAD v4.1: 1 of 1,614,098 alleles (0.000062%); highest among the groups gnomAD compares: Non-Finnish European, 0.000085%; no homozygotes.

Submission:

Ambry Genetics
Classification: Uncertain significance for Hereditary cancer-predisposing syndrome. Last evaluated: 2022-09-01. Review status: criteria provided, single submitter. Criteria: Ambry Variant Classification Scheme 2023. Collection method: clinical testing. Allele origin: germline.
Comment: The p.G934D variant (also known as c.2801G>A), located in coding exon 20 of the MSH3 gene, results from a G to A substitution at nucleotide position 2801. The glycine at codon 934 is replaced by aspartic acid, an amino acid with similar properties. This amino acid position is conserved. In addition, this alteration is predicted to be deleterious by in silico analysis. Since supporting evidence is limited at this time, the clinical significance of this alteration remains unclear.

NM_002439.5(MSH3):c.2801G>A (p.Gly934Asp)

Gene: MSH3 (mutS homolog 3; plus strand). Cytogenetic location: 5q14.1.
Variant type: single nucleotide variant.
Coding change: c.2801G>A on transcript NM_002439.5 (MANE Select); coding-DNA position 2801, G replaced by A.
Protein change: p.Gly934Asp; replaces glycine 934 with aspartic acid.
Molecular consequence: missense variant.
Genome position (GRCh38, 1-based): chr5:80,813,729, G>A. VCF-style: chr5-80813729-G-A. GRCh37 (hg19) VCF-style: chr5-80109548-G-A.
Other names: short protein forms G934D.
Identifiers: ClinVar variation 1796227 (VCV001796227.2), dbSNP rs757908059, ClinGen allele CA3328360.